The following is an entry in ClinVar:

ClinVar aggregate classification (germline): Conflicting classifications of pathogenicity. Review status: criteria provided, conflicting classifications (1 of 4 stars). 3 submissions from 3 submitters: Uncertain significance (1); Likely benign (1). 1 of the submissions does not count toward it. Last evaluated 2024-12-04.

Conditions:
Inborn genetic diseases. Identifiers: MedGen C0950123, MeSH D030342.
MHC class II deficiency. Also called: BLS, TYPE II; Bare lymphocyte syndrome 2. Identifiers: Orphanet 572, MedGen C5447452, MONDO:0008855.

Allele frequency attached by ClinVar (database versions not stated): ExAC 0.00003.
gnomAD v4.1: 13 of 1,613,404 alleles (0.00081%); highest among the groups gnomAD compares: East Asian, 0.0022%; no homozygotes.

Submissions (3):

Ambry Genetics
Classification: Likely benign for Inborn genetic diseases. Last evaluated: 2024-12-04. Review status: criteria provided, single submitter. Criteria: Ambry Variant Classification Scheme 2023. Collection method: clinical testing. Allele origin: germline.

Labcorp Genetics (formerly Invitae), Labcorp
Classification: Uncertain significance for MHC class II deficiency. Last evaluated: 2021-08-31. Review status: criteria provided, single submitter. Criteria: Invitae Variant Classification Sherloc (09022015). Collection method: clinical testing. Allele origin: germline.
Comment: This sequence change replaces arginine with glutamine at codon 615 of the CIITA protein (p.Arg615Gln). The arginine residue is moderately conserved and there is a small physicochemical difference between arginine and glutamine. This variant is present in population databases (rs769140062, ExAC 0.009%). This variant has not been reported in the literature in individuals affected with CIITA-related conditions. Algorithms developed to predict the effect of missense changes on protein structure and function output the following: SIFT: "Tolerated"; PolyPhen-2: "Benign"; Align-GVGD: "Class C0". The glutamine amino acid residue is found in multiple mammalian species, which suggests that this missense change does not adversely affect protein function. Algorithms developed to predict the effect of sequence changes on RNA splicing suggest that this variant may create or strengthen a splice site. In summary, the available evidence is currently insufficient to determine the role of this variant in disease. Therefore, it has been classified as a Variant of Uncertain Significance.

Natera, Inc.
Classification: Uncertain significance for Bare lymphocyte syndrome type II. Last evaluated: 2020-03-20. Review status: no assertion criteria provided. Collection method: clinical testing. Allele origin: germline. Not counted in ClinVar's aggregate classification.

NM_000246.4(CIITA):c.1844G>A (p.Arg615Gln)

Gene: CIITA (class II major histocompatibility complex transactivator; plus strand). Cytogenetic location: 16p13.13.
Variant type: single nucleotide variant.
Coding change: c.1844G>A on transcript NM_000246.4 (MANE Select); coding-DNA position 1844, G replaced by A.
Protein change: p.Arg615Gln; replaces arginine 615 with glutamine.
Molecular consequence: missense variant. On other transcripts: intron variant (1).
Genome position (GRCh38, 1-based): chr16:10,907,336, G>A. VCF-style: chr16-10907336-G-A. GRCh37 (hg19) VCF-style: chr16-11001193-G-A.
Other names: c.1847G>A, p.Arg616Gln (NM_001286402.1, NM_001379332.1); c.1700G>A, p.Arg567Gln (NM_001379330.1); c.1697G>A, p.Arg566Gln (NM_001379331.1); c.1844G>A, p.Arg615Gln (NM_001379333.1); c.1775G>A, p.Arg592Gln (NM_001379334.1); c.860-1647G>A (NM_001286403.2); short protein forms R615Q, R616Q, R566Q, R567Q, R592Q.
Identifiers: ClinVar variation 837362 (VCV000837362.11), dbSNP rs769140062, ClinGen allele CA7900231.